The following is an entry in ClinVar:

ClinVar aggregate classification (germline): Uncertain significance (1 of 4 stars; one submission).

Conditions:
Mucopolysaccharidosis, MPS-IV-A (MPS4A). Also called: Mucopolysaccharidosis type IV A; Mucopolysaccharidosis Type IVA; Morquio syndrome A, mild; MORQUIO SYNDROME A; MPS IVA; mucopolysaccharidosis type 4A. Identifiers: Orphanet 309297, Orphanet 582, MedGen C0086651, MONDO:0009659, OMIM 253000.

Allele frequency attached by ClinVar (database versions not stated): gnomAD exomes below 0.00001; ExAC 0.00001.
gnomAD v4.1: 1 of 1,613,838 alleles (0.000062%); highest among the groups gnomAD compares: South Asian, 0.0011%; no homozygotes.

Submission:

Laboratory of Diagnosis and Therapy of Lysosomal Disorders, University of Padova
Classification: Uncertain significance for Mucopolysaccharidosis, MPS-IV-A. Last evaluated: 2021-02-01. Review status: criteria provided, single submitter. Criteria: ACMG Guidelines, 2015. Collection method: research. Allele origin: germline. Affected: yes.
Comment: The prevalence of the variant in affected individuals is significantly increased compared with the prevalence in controls (PS4_supporting); very low frequency in gnomAD v2.1.1 (PM2_moderate); multiple lines of computational evidence support a deleterious effect on the gene (PP3_supporting)

Literature cited by the submitters: PubMed 34387910.

NM_000512.5(GALNS):c.940T>G (p.Phe314Val)

Gene: GALNS (galactosamine (N-acetyl)-6-sulfatase; minus strand). Cytogenetic location: 16q24.3.
Variant type: single nucleotide variant.
Coding change: c.940T>G on transcript NM_000512.5 (MANE Select); coding-DNA position 940, T replaced by G.
Protein change: p.Phe314Val; replaces phenylalanine 314 with valine.
Molecular consequence: missense variant.
Genome position (GRCh38, 1-based): chr16:88,832,060, A>C on the plus strand (T>G on the coding strand, the complement: GALNS is on the minus strand). VCF-style: chr16-88832060-A-C. GRCh37 (hg19) VCF-style: chr16-88898468-A-C.
Other names: c.385T>G, p.Phe129Val (NM_001323543.2); c.958T>G, p.Phe320Val (NM_001323544.2); short protein forms F129V, F314V, F320V.
Identifiers: ClinVar variation 1048223 (VCV001048223.3), dbSNP rs774781295, ClinGen allele CA8234897.